The following is an entry in ClinVar:

ClinVar aggregate classification (germline): Benign/Likely benign. Review status: criteria provided, multiple submitters, no conflicts (2 of 4 stars). 6 submissions from 6 submitters: Benign (5); Likely benign (1). Last evaluated 2026-02-04.

Conditions:
Marfan syndrome (MFS). Also called: FBN1-Related Marfan Syndrome; MARFAN SYNDROME, TYPE I; Marfan syndrome, classic; Marfan syndrome type 1; Marfan's syndrome. Identifiers: Orphanet 284963, Orphanet 558, MedGen C0024796, MONDO:0007947, OMIM 154700.
Familial thoracic aortic aneurysm and aortic dissection (TAAD). Also called: Thoracic aortic aneurysms and dissections. Identifiers: Orphanet 91387, MedGen C4707243, MONDO:0019625.

Allele frequency attached by ClinVar (database versions not stated): gnomAD 0.01556 and 0.01708; TOPMed 0.01931; ESP Exome Variant Server 0.01186; ExAC 0.02475; gnomAD exomes 0.02480 and 0.01513; 1000 Genomes Project 30x 0.03841; 1000 Genomes Project 0.04054.
gnomAD v4.1: 25,037 of 1,613,552 alleles (1.6%); highest among the groups gnomAD compares: East Asian, 11%; 599 homozygotes.

Submissions (6):

Labcorp Genetics (formerly Invitae), Labcorp
Classification: Benign for Marfan syndrome; Familial thoracic aortic aneurysm and aortic dissection. Last evaluated: 2026-02-04. Review status: criteria provided, single submitter. Criteria: Invitae Variant Classification Sherloc (09022015). Collection method: clinical testing. Allele origin: germline.

Blueprint Genetics
Classification: Likely benign. Last evaluated: 2024-11-26. Review status: criteria provided, single submitter. Criteria: ACMG Guidelines, 2015. Collection method: clinical testing. Allele origin: germline.

ARUP Laboratories, Molecular Genetics and Genomics, ARUP Laboratories
Classification: Benign. Last evaluated: 2021-11-16. Review status: criteria provided, single submitter. Criteria: ARUP Molecular Germline Variant Investigation Process 2021. Collection method: clinical testing. Allele origin: germline.

GeneDx
Classification: Benign. Last evaluated: 2013-04-14. Review status: criteria provided, single submitter. Criteria: GeneDx Variant Classification (06012015). Collection method: clinical testing. Allele origin: germline. Affected: yes.
Comment: This variant is considered likely benign or benign based on one or more of the following criteria: it is a conservative change, it occurs at a poorly conserved position in the protein, it is predicted to be benign by multiple in silico algorithms, and/or has population frequency not consistent with disease.

Breakthrough Genomics
Classification: Benign. Review status: criteria provided, single submitter. Criteria: ACMG Guidelines, 2015. Collection method: not provided. Allele origin: germline. Inheritance: Autosomal dominant inheritance. Affected: yes.

PreventionGenetics, part of Exact Sciences
Classification: Benign. Review status: criteria provided, single submitter. Criteria: ACMG Guidelines, 2015. Collection method: clinical testing. Allele origin: germline.

NM_000138.5(FBN1):c.4460-19A>G

Gene: FBN1 (fibrillin 1; minus strand). Cytogenetic location: 15q21.1.
Variant type: single nucleotide variant.
Coding change: c.4460-19A>G on transcript NM_000138.5 (MANE Select); 19 bases into the intron before coding-DNA position 4460, A replaced by G.
Molecular consequence: intron variant.
Genome position (GRCh38, 1-based): chr15:48,468,553, T>C on the plus strand (A>G on the coding strand, the complement: FBN1 is on the minus strand). VCF-style: chr15-48468553-T-C. GRCh37 (hg19) VCF-style: chr15-48760750-T-C.
Identifiers: ClinVar variation 137308 (VCV000137308.22), dbSNP rs55840194, ClinGen allele CA015100.